The following is an entry in ClinVar:

NM_152424.4(AMER1):c.2248C>T (p.Pro750Ser)

Gene: AMER1 (APC membrane recruitment protein 1; minus strand). Cytogenetic location: Xq11.2.
Variant type: single nucleotide variant.
Coding change: c.2248C>T on transcript NM_152424.4 (MANE Select); coding-DNA position 2248, C replaced by T.
Protein change: p.Pro750Ser; replaces proline 750 with serine.
Molecular consequence: missense variant.
Genome position (GRCh38, 1-based): chrX:64,191,039, G>A on the plus strand (C>T on the coding strand, the complement: AMER1 is on the minus strand). VCF-style: chrX-64191039-G-A. GRCh37 (hg19) VCF-style: chrX-63410919-G-A.
Other names: c.2248C>T (NM_152424.3); short protein forms P750S.
Identifiers: ClinVar variation 2170792 (VCV002170792.6), dbSNP rs148731565, ClinGen allele CA10432216.
Genomic context (GRCh38, chrX:64,191,039, plus strand): 5'-AGAAACTCACAGTGGCATTCCCTTCCTTCTCAACCTCCTCTTCCTCTGGATCTTCAGGGG[G>A]TGAATAAGTAGGGTAGGCCCTCCTGGGAGATCCTCCAAAATTTGCTTCTTGCATGTCTGG-3'
Protein context (NP_689637.3, residues 740-760): SPRRAYPTYS[Pro750Ser]PEDPEEEEVE

ClinVar aggregate classification (germline): Benign. Review status: criteria provided, single submitter (1 of 4 stars). 2 submissions from 2 submitters: Benign (1). 1 of the submissions does not count toward it. Last evaluated 2025-12-16.

Conditions:
AMER1-related disorder. Also called: AMER1-related condition.

Allele frequency attached by ClinVar (database versions not stated): ESP Exome Variant Server 0.00009; gnomAD exomes 0.00010; ExAC 0.00022.
gnomAD v4.1: 120 of 1,210,446 alleles (0.0099%); highest among the groups gnomAD compares: Non-Finnish European, 0.011%; no homozygotes.

Submissions (2):

Labcorp Genetics (formerly Invitae), Labcorp
Classification: Benign. Last evaluated: 2025-12-16. Review status: criteria provided, single submitter. Criteria: Invitae Variant Classification Sherloc (09022015). Collection method: clinical testing. Allele origin: germline.

PreventionGenetics, part of Exact Sciences
Classification: Likely benign for AMER1-related condition. Last evaluated: 2022-10-04. Review status: no assertion criteria provided. Collection method: clinical testing. Allele origin: germline. Not counted in ClinVar's aggregate classification.
Comment: This variant is classified as likely benign based on ACMG/AMP sequence variant interpretation guidelines (Richards et al. 2015 PMID: 25741868, with internal and published modifications).